The following is an entry in ClinVar:

NM_000222.3(KIT):c.1364T>C (p.Leu455Pro)

Gene: KIT (KIT proto-oncogene, receptor tyrosine kinase; plus strand). Cytogenetic location: 4q12.
Variant type: single nucleotide variant.
Coding change: c.1364T>C on transcript NM_000222.3 (MANE Select); coding-DNA position 1364, T replaced by C.
Protein change: p.Leu455Pro; replaces leucine 455 with proline.
Molecular consequence: missense variant.
Genome position (GRCh38, 1-based): chr4:54,725,874, T>C. VCF-style: chr4-54725874-T-C. GRCh37 (hg19) VCF-style: chr4-55592040-T-C.
Other names: c.1364T>C, p.Leu455Pro (NM_001093772.2, NM_001385285.1, NM_001385286.1); c.1367T>C, p.Leu456Pro (NM_001385284.1, NM_001385288.1, NM_001385290.1 and 1 more transcripts); short protein forms L456P, L455P.
Identifiers: ClinVar variation 1770908 (VCV001770908.2), dbSNP rs2109768115, ClinGen allele CA356906242.
Genomic context (GRCh38, chr4:54,725,874, plus strand): 5'-ATTTTCCTAGAGTAAGCCAGGGCTTTTGTTTTCTTCCCTTTAGATGCTCTGCTTCTGTAC[T>C]GCCAGTGGATGTGCAGACACTAAACTCATCTGGGCCACCGTTTGGAAAGCTAGTGGTTCA-3'
Protein context (NP_000213.1, residues 445-465): GTEQRCSASV[Leu455Pro]PVDVQTLNSS

ClinVar aggregate classification (germline): Uncertain significance (1 of 4 stars; one submission).

Conditions:
Hereditary cancer-predisposing syndrome. Also called: Hereditary Cancer Syndrome; Hereditary neoplastic syndrome; Neoplastic Syndromes, Hereditary; Tumor predisposition. Identifiers: Orphanet 140162, MedGen C0027672, MeSH D009386, MONDO:0015356.

Submission:

Ambry Genetics
Classification: Uncertain significance for Hereditary cancer-predisposing syndrome. Last evaluated: 2021-11-09. Review status: criteria provided, single submitter. Criteria: Ambry Variant Classification Scheme 2023. Collection method: clinical testing. Allele origin: germline.
Comment: The p.L455P variant (also known as c.1364T>C), located in coding exon 9 of the KIT gene, results from a T to C substitution at nucleotide position 1364. The leucine at codon 455 is replaced by proline, an amino acid with similar properties. This amino acid position is poorly conserved in available vertebrate species. In addition, this alteration is predicted to be tolerated by in silico analysis. Since supporting evidence is limited at this time, the clinical significance of this alteration remains unclear.